The following is an entry in ClinVar:

NM_004415.4(DSP):c.4570A>G (p.Thr1524Ala)

Gene: DSP (desmoplakin; plus strand). Cytogenetic location: 6p24.3.
Variant type: single nucleotide variant.
Coding change: c.4570A>G on transcript NM_004415.4 (MANE Select); coding-DNA position 4570, A replaced by G.
Protein change: p.Thr1524Ala; replaces threonine 1524 with alanine.
Molecular consequence: missense variant. On other transcripts: intron variant (2).
Genome position (GRCh38, 1-based): chr6:7,580,760, A>G. VCF-style: chr6-7580760-A-G. GRCh37 (hg19) VCF-style: chr6-7580993-A-G.
Other names: c.4050+520A>G (NM_001319034.2); c.3582+988A>G (NM_001008844.3); short protein forms T1524A.
Identifiers: ClinVar variation 3378181 (VCV003378181.1).
Genomic context (GRCh38, chr6:7,580,760, plus strand): 5'-AACGCGAGATTACAAAGGGTCCAGTATGACCTGCAGAAAGCAAACAGTAGTGCGACGGAG[A>G]CAATAAACAAACTGAAGGTTCAGGAGCAAGAACTGACACGCCTGAGGATCGACTATGAAA-3'
Protein context (NP_004406.2, residues 1514-1534): LQKANSSATE[Thr1524Ala]INKLKVQEQE

ClinVar aggregate classification (germline): Uncertain significance (1 of 4 stars; one submission).

Submission:

GeneDx
Classification: Uncertain significance. Last evaluated: 2024-05-15. Review status: criteria provided, single submitter. Criteria: GeneDx Variant Classification Process June 2021. Collection method: clinical testing. Allele origin: germline. Affected: yes.
Comment: Has not been previously published as pathogenic or benign to our knowledge; Not observed at significant frequency in large population cohorts (gnomAD); In silico analysis indicates that this missense variant does not alter protein structure/function